The following is an entry in ClinVar:

NM_002474.3(MYH11):c.4844C>T (p.Ala1615Val)

Genes: MYH11 (myosin heavy chain 11; minus strand), NDE1 (nudE neurodevelopment protein 1; plus strand). Cytogenetic location: 16p13.11.
Variant type: single nucleotide variant.
Coding change: c.4844C>T on transcript NM_002474.3 (MANE Select); coding-DNA position 4844, C replaced by T.
Protein change: p.Ala1615Val; replaces alanine 1615 with valine.
Molecular consequence: missense variant. On other transcripts: intron variant (2).
Genome position (GRCh38, 1-based): chr16:15,720,260, G>A on the plus strand (C>T on the coding strand, the complement: MYH11 is on the minus strand). VCF-style: chr16-15720260-G-A. GRCh37 (hg19) VCF-style: chr16-15814117-G-A.
Other names: c.4865C>T, p.Ala1622Val (NM_001040113.2, NM_001040114.2); c.4844C>T, p.Ala1615Val (NM_022844.3); c.948-3931G>A (NM_001143979.2, NM_017668.3); short protein forms A1615V, A1622V.
Identifiers: ClinVar variation 1208586 (VCV001208586.3), dbSNP rs2151206432, ClinGen allele CA394852626.

ClinVar aggregate classification (germline): Uncertain significance (1 of 4 stars; one submission).

Submission:

GeneDx
Classification: Uncertain significance. Last evaluated: 2020-07-28. Review status: criteria provided, single submitter. Criteria: GeneDx Variant Classification Process June 2021. Collection method: clinical testing. Allele origin: germline. Affected: yes.
Comment: Not observed in large population cohorts (Lek et al., 2016); In silico analysis, which includes protein predictors and evolutionary conservation, supports a deleterious effect; Has not been previously published as pathogenic or benign to our knowledge